The following is an entry in ClinVar:

ClinVar aggregate classification (germline): Uncertain significance (1 of 4 stars; one submission).

Conditions:
CFHR5 deficiency. Identifiers: MedGen C3553720.

Submission:

New York Genome Center
Classification: Uncertain significance for C3 glomerulonephritis. Last evaluated: 2020-06-04. Review status: criteria provided, single submitter. Criteria: NYGC Assertion Criteria 2020. Collection method: clinical testing. Allele origin: inherited. Observed: 1 heterozygote. Study: CSER-NYCKidSeq.
Comment: The inherited heterozygous c.53dup (p.Glu19ArgfsTer6) frameshift variant identified in this individual is predicted to cause loss of normal protein function either through protein truncation or nonsense-mediated mRNA decay. The variant is absent from gnomAD database indicating it is an extremely rare allele in the general population. This frameshift variant has been reported in a patient with atypical hemolytic uremic syndrome who was also homozygous for CFHR1-3 deletion [PMID: 28056875]. Twelve out of thirteen predicted loss-of-function variants (frameshift, stop-gained-splice site) reported in ClinVar database are not classified as pathogenic/likely pathogenic. Loss-of-Function Intolerance score (pLI) for CFHR5gene is zero (gnomADv2). Due to the lack of compelling evidence in favor of Loss-of-function as the mechanism of disease for CFHR5 gene, the inherited heterozygous frameshift variant in the CFHR5 gene is assessed as a variant of uncertain significance.

NM_030787.4(CFHR5):c.53dup (p.Glu19fs)

Gene: CFHR5 (complement factor H related 5; plus strand). Cytogenetic location: 1q31.3.
Variant type: Duplication.
Coding change: c.53dup on transcript NM_030787.4 (MANE Select); coding-DNA position 53, one base duplicated (G; older notation c.53dupG).
Protein change: p.Glu19fs; shifts the reading frame from glutamic acid 19.
Molecular consequence: frameshift variant.
Genome position (GRCh38, 1-based): chr1:196,977,717, G duplicated; the last of 5 consecutive G bases (chr1:196,977,713-196,977,717); duplicating any one gives the same sequence. VCF-style (leftmost placement, unchanged base first): chr1-196977712-T-TG. GRCh37 (hg19) VCF-style: chr1-196946842-T-TG.
Other names: short protein forms E19fs.
Identifiers: ClinVar variation 1341892 (VCV001341892.1), dbSNP rs771671663, ClinGen allele CA1307593.